The following is an entry in ClinVar:

ClinVar aggregate classification (germline): Uncertain significance (1 of 4 stars; one submission).

Conditions:
DICER1-related tumor predisposition. Also called: DICER1-related pleuropulmonary blastoma cancer predisposition syndrome; DICER1 syndrome. Identifiers: Orphanet 284343, MedGen C3839822, MONDO:0100216.

Submission:

Labcorp Genetics (formerly Invitae), Labcorp
Classification: Uncertain significance for DICER1-related tumor predisposition. Last evaluated: 2023-09-23. Review status: criteria provided, single submitter. Criteria: Invitae Variant Classification Sherloc (09022015). Collection method: clinical testing. Allele origin: germline.
Comment: This sequence change replaces phenylalanine, which is neutral and non-polar, with valine, which is neutral and non-polar, at codon 438 of the DICER1 protein (p.Phe438Val). This variant is not present in population databases (gnomAD no frequency). This variant has not been reported in the literature in individuals affected with DICER1-related conditions. Advanced modeling of protein sequence and biophysical properties (such as structural, functional, and spatial information, amino acid conservation, physicochemical variation, residue mobility, and thermodynamic stability) performed at Invitae indicates that this missense variant is not expected to disrupt DICER1 protein function. In summary, the available evidence is currently insufficient to determine the role of this variant in disease. Therefore, it has been classified as a Variant of Uncertain Significance.

NM_177438.3(DICER1):c.1312T>G (p.Phe438Val)

Gene: DICER1 (dicer 1, ribonuclease III; minus strand). Cytogenetic location: 14q32.13.
Variant type: single nucleotide variant.
Coding change: c.1312T>G on transcript NM_177438.3 (MANE Select); coding-DNA position 1312, T replaced by G.
Protein change: p.Phe438Val; replaces phenylalanine 438 with valine.
Molecular consequence: missense variant. On other transcripts: 5 prime UTR variant (1), non-coding transcript variant (6).
Genome position (GRCh38, 1-based): chr14:95,124,260, A>C on the plus strand (T>G on the coding strand, the complement: DICER1 is on the minus strand). VCF-style: chr14-95124260-A-C. GRCh37 (hg19) VCF-style: chr14-95590597-A-C.
Other names: c.1312T>G, p.Phe438Val (NM_001195573.1, NM_001271282.3, NM_001291628.2 and 15 more transcripts); c.1030T>G, p.Phe344Val (NM_001395686.1); c.907T>G, p.Phe303Val (NM_001395687.1, NM_001395688.1, NM_001395689.1 and 3 more transcripts); c.745T>G, p.Phe249Val (NM_001395691.1); c.-257T>G (NM_001395697.1); short protein forms F249V, F344V, F438V, F303V.
Identifiers: ClinVar variation 2762905 (VCV002762905.3), dbSNP rs2543172201, ClinGen allele CA390886253.
Genomic context (GRCh38, chr14:95,124,260, plus strand): 5'-TTAAGACAACTGCTGTGTATCTTCTTTCCACAAAAATAATTCCGCACAAAATGTTGGTAA[A>C]AGGAGAAGGAAAATTTGTCTCTGGCTTCTCTTTTTCTTCAATTTCTTCATCCTCATCATC-3'
Protein context (NP_803187.1, residues 428-448): EKPETNFPSP[Phe438Val]TNILCGIIFV